The following is an entry in ClinVar:

NM_005670.4(EPM2A):c.800A>G (p.Asn267Ser)

Gene: EPM2A (EPM2A glucan phosphatase, laforin; minus strand). Cytogenetic location: 6q24.3.
Variant type: single nucleotide variant.
Coding change: c.800A>G on transcript NM_005670.4 (MANE Select); coding-DNA position 800, A replaced by G.
Protein change: p.Asn267Ser; replaces asparagine 267 with serine.
Molecular consequence: missense variant. On other transcripts: synonymous variant (1), non-coding transcript variant (1).
Genome position (GRCh38, 1-based): chr6:145,627,612, T>C on the plus strand (A>G on the coding strand, the complement: EPM2A is on the minus strand). VCF-style: chr6-145627612-T-C. GRCh37 (hg19) VCF-style: chr6-145948748-T-C.
Other names: c.800A>G, p.Asn267Ser (NM_001018041.2); c.558A>G, p.Gln186= (NM_001360057.2); c.386A>G, p.Asn129Ser (NM_001360064.2, NM_001360071.2, NM_001368131.1); c.338A>G, p.Asn113Ser (NM_001368129.2, NM_001368132.1); short protein forms N113S, N267S, N129S.
Identifiers: ClinVar variation 1371483 (VCV001371483.8), dbSNP rs1220880720, ClinGen allele CA366190321.

ClinVar aggregate classification (germline): Uncertain significance (1 of 4 stars; one submission).

Conditions:
Progressive myoclonic epilepsy. Also called: Familial progressive myoclonic epilepsy; Myoclonus epilepsy; Progressive myoclonus epilepsy; Myoclonic Epilepsies, Progressive. Identifiers: Orphanet 308, Orphanet 98261, MedGen C0751778, MONDO:0020074.

Allele frequency attached by ClinVar (database versions not stated): gnomAD exomes below 0.00001.
gnomAD v4.1: 1 of 1,614,174 alleles (0.000062%); no homozygotes.

Submission:

Labcorp Genetics (formerly Invitae), Labcorp
Classification: Uncertain significance for Progressive myoclonic epilepsy. Last evaluated: 2022-10-17. Review status: criteria provided, single submitter. Criteria: Invitae Variant Classification Sherloc (09022015). Collection method: clinical testing. Allele origin: germline.
Comment: In summary, the available evidence is currently insufficient to determine the role of this variant in disease. Therefore, it has been classified as a Variant of Uncertain Significance. Algorithms developed to predict the effect of missense changes on protein structure and function (SIFT, PolyPhen-2, Align-GVGD) all suggest that this variant is likely to be disruptive. ClinVar contains an entry for this variant (Variation ID: 1371483). This variant has not been reported in the literature in individuals affected with EPM2A-related conditions. This variant is present in population databases (no rsID available, gnomAD 0.004%). This sequence change replaces asparagine, which is neutral and polar, with serine, which is neutral and polar, at codon 267 of the EPM2A protein (p.Asn267Ser).